The following is an entry in ClinVar:

ClinVar aggregate classification (germline): Uncertain significance. Review status: criteria provided, multiple submitters, no conflicts (2 of 4 stars). 2 submissions from 2 submitters: Uncertain significance (2). Last evaluated 2025-08-05.

Conditions:
Inborn genetic diseases. Identifiers: MedGen C0950123, MeSH D030342.

Allele frequency attached by ClinVar (database versions not stated): TOPMed 0.00003; gnomAD 0.00005; gnomAD exomes 0.00005.
gnomAD v4.1: 67 of 1,487,116 alleles (0.0045%); highest among the groups gnomAD compares: Middle Eastern, 0.022%; no homozygotes.

Submissions (2):

Ambry Genetics
Classification: Uncertain significance for Inborn genetic diseases. Last evaluated: 2025-08-05. Review status: criteria provided, single submitter. Criteria: Ambry Variant Classification Scheme 2023. Collection method: clinical testing. Allele origin: germline.

Labcorp Genetics (formerly Invitae), Labcorp
Classification: Uncertain significance. Last evaluated: 2022-01-02. Review status: criteria provided, single submitter. Criteria: Invitae Variant Classification Sherloc (09022015). Collection method: clinical testing. Allele origin: germline.
Comment: In summary, the available evidence is currently insufficient to determine the role of this variant in disease. Therefore, it has been classified as a Variant of Uncertain Significance. Advanced modeling of protein sequence and biophysical properties (such as structural, functional, and spatial information, amino acid conservation, physicochemical variation, residue mobility, and thermodynamic stability) performed at Invitae indicates that this missense variant is not expected to disrupt CRB2 protein function. This variant has not been reported in the literature in individuals affected with CRB2-related conditions. This variant is present in population databases (no rsID available, gnomAD 0.002%). This sequence change replaces arginine, which is basic and polar, with histidine, which is basic and polar, at codon 911 of the CRB2 protein (p.Arg911His).

NM_173689.7(CRB2):c.2732G>A (p.Arg911His)

Gene: CRB2 (crumbs cell polarity complex component 2; plus strand). Cytogenetic location: 9q33.3.
Variant type: single nucleotide variant.
Coding change: c.2732G>A on transcript NM_173689.7 (MANE Select); coding-DNA position 2732, G replaced by A.
Protein change: p.Arg911His; replaces arginine 911 with histidine.
Molecular consequence: missense variant. On other transcripts: non-coding transcript variant (1).
Genome position (GRCh38, 1-based): chr9:123,373,263, G>A. VCF-style: chr9-123373263-G-A. GRCh37 (hg19) VCF-style: chr9-126135542-G-A.
Other names: short protein forms R911H.
Identifiers: ClinVar variation 1908223 (VCV001908223.6), dbSNP rs1007746379, ClinGen allele CA199638698.